The following is an entry in ClinVar:

ClinVar aggregate classification (germline): Pathogenic (1 of 4 stars; one submission).

Submission:

Labcorp Genetics (formerly Invitae), Labcorp
Classification: Pathogenic. Last evaluated: 2025-11-01. Review status: criteria provided, single submitter. Criteria: Invitae Variant Classification Sherloc (09022015). Collection method: clinical testing. Allele origin: germline.
Comment: This sequence change creates a premature translational stop signal (p.Tyr1589*) in the SPTB gene. It is expected to result in an absent or disrupted protein product. Loss-of-function variants in SPTB are known to be pathogenic (PMID: 1391962, 1498324, 8844207, 26830532, 27292444). This variant is not present in population databases (gnomAD no frequency). This variant has not been reported in the literature in individuals affected with SPTB-related conditions. For these reasons, this variant has been classified as Pathogenic.

Literature cited by the submitters: PubMed 1391962; PubMed 1498324; PubMed 8844207; PubMed 26830532; PubMed 27292444.

NM_001355436.2(SPTB):c.4767C>A (p.Tyr1589Ter)

Gene: SPTB (spectrin beta, erythrocytic; minus strand). Cytogenetic location: 14q23.3.
Variant type: single nucleotide variant.
Coding change: c.4767C>A on transcript NM_001355436.2 (MANE Select); coding-DNA position 4767, C replaced by A.
Protein change: p.Tyr1589Ter; replaces tyrosine 1589 with a stop codon.
Molecular consequence: nonsense.
Genome position (GRCh38, 1-based): chr14:64,775,200, G>T on the plus strand (C>A on the coding strand, the complement: SPTB is on the minus strand). VCF-style: chr14-64775200-G-T. GRCh37 (hg19) VCF-style: chr14-65241918-G-T.
Other names: c.4767C>A, p.Tyr1589Ter (NM_001024858.4, NM_001355437.2); short protein forms Y1589*.
Identifiers: ClinVar variation 4730303 (VCV004730303.1).